The following is an entry in ClinVar:

ClinVar aggregate classification (germline): Uncertain significance (1 of 4 stars; one submission).

Submission:

Labcorp Genetics (formerly Invitae), Labcorp
Classification: Uncertain significance. Last evaluated: 2025-05-08. Review status: criteria provided, single submitter. Criteria: Invitae Variant Classification Sherloc (09022015). Collection method: clinical testing. Allele origin: germline.
Comment: This sequence change replaces glutamine, which is neutral and polar, with arginine, which is basic and polar, at codon 808 of the CEP97 protein (p.Gln808Arg). This variant is not present in population databases (gnomAD no frequency). This variant has not been reported in the literature in individuals affected with CEP97-related conditions. Invitae Evidence Modeling of protein sequence and biophysical properties (such as structural, functional, and spatial information, amino acid conservation, physicochemical variation, residue mobility, and thermodynamic stability) indicates that this missense variant is not expected to disrupt CEP97 protein function with a negative predictive value of 80%. In summary, the available evidence is currently insufficient to determine the role of this variant in disease. Therefore, it has been classified as a Variant of Uncertain Significance.

NM_024548.4(CEP97):c.2423A>G (p.Gln808Arg)

Gene: CEP97 (centrosomal protein 97; plus strand). Cytogenetic location: 3q12.3.
Variant type: single nucleotide variant.
Coding change: c.2423A>G on transcript NM_024548.4 (MANE Select); coding-DNA position 2423, A replaced by G.
Protein change: p.Gln808Arg; replaces glutamine 808 with arginine.
Molecular consequence: missense variant.
Genome position (GRCh38, 1-based): chr3:101,765,376, A>G. VCF-style: chr3-101765376-A-G. GRCh37 (hg19) VCF-style: chr3-101484220-A-G.
Other names: c.2246A>G, p.Gln749Arg (NM_001303401.2); c.2321A>G, p.Gln774Arg (NM_001410784.1); c.2144A>G, p.Gln715Arg (NM_001410785.1); short protein forms Q749R, Q808R, Q774R, Q715R.
Identifiers: ClinVar variation 4741358 (VCV004741358.1).
Genomic context (GRCh38, chr3:101,765,376, plus strand): 5'-GGACCAATTTTGATACAGAGACAAGAGATAGCAAACTTCACATTGCTTGTTTCCCAGTAC[A>G]GTTAGATACATTGTCTGACGGTGCTTCTGTAGATGAGAGTCATGGCATATCTCCTCCTTT-3'
Protein context (NP_078824.2, residues 798-818): SKLHIACFPV[Gln808Arg]LDTLSDGASV